The following is an entry in ClinVar:

NM_000540.3(RYR1):c.3773G>C (p.Arg1258Pro)

Gene: RYR1 (ryanodine receptor 1; plus strand). Cytogenetic location: 19q13.2.
Variant type: single nucleotide variant.
Coding change: c.3773G>C on transcript NM_000540.3 (MANE Select); coding-DNA position 3773, G replaced by C.
Protein change: p.Arg1258Pro; replaces arginine 1258 with proline.
Molecular consequence: missense variant.
Genome position (GRCh38, 1-based): chr19:38,473,384, G>C. VCF-style: chr19-38473384-G-C. GRCh37 (hg19) VCF-style: chr19-38964024-G-C.
Other names: c.3773G>C, p.Arg1258Pro (NM_001042723.2); short protein forms R1258P.
Identifiers: ClinVar variation 3069531 (VCV003069531.1), dbSNP rs886054381, ClinGen allele CA405641367.

ClinVar aggregate classification (germline): Uncertain significance (1 of 4 stars; one submission).

Conditions:
Malignant hyperthermia, susceptibility to, 1 (MHS1). Also called: RYR1-Related Malignant Hyperthermia Susceptibility; Anesthesia related hyperthermia; Malignant hyperpyrexia; Fulminating hyperpyrexia; Pharmacogenic myopathy; Malignant hyperthermia suceptibility 1. Identifiers: Orphanet 423, MedGen C2930980, MONDO:0007783, OMIM 145600.

gnomAD v4.1: 1 of 1,613,770 alleles (0.000062%); highest among the groups gnomAD compares: Non-Finnish European, 0.000085%; no homozygotes.

Submission:

All of Us Research Program, National Institutes of Health
Classification: Uncertain significance for Malignant hyperthermia, susceptibility to, 1. Last evaluated: 2023-02-24. Review status: criteria provided, single submitter. Criteria: ACMG Guidelines, 2015. Collection method: clinical testing. Allele origin: germline. Inheritance: Autosomal dominant inheritance. Observed: 1 variant allele, 1 heterozygote.
Comment: This missense variant replaces arginine with proline at codon 1258 of the RYR1 protein. Computational prediction suggests that this variant may have deleterious impact on protein structure and function (internally defined REVEL score threshold >= 0.7, PMID: 27666373). To our knowledge, functional studies have not been reported for this variant. This variant has not been reported in individuals affected with RYR1-related disorders in the literature. This variant has not been identified in the general population by the Genome Aggregation Database (gnomAD). The available evidence is insufficient to determine the role of this variant in disease conclusively. Therefore, this variant is classified as a Variant of Uncertain Significance.

This study involves interpretation of variants in research participants for the purpose of population health screening. Participant phenotype was not available at the time of variant classification. Additional details can be found in publication PMID: 35346344, PMCID: PMC8962531